The following is an entry in ClinVar:

NM_007194.4(CHEK2):c.1196T>A (p.Val399Asp)

Gene: CHEK2 (checkpoint kinase 2; minus strand). Cytogenetic location: 22q12.1.
Variant type: single nucleotide variant.
Coding change: c.1196T>A on transcript NM_007194.4 (MANE Select); coding-DNA position 1196, T replaced by A.
Protein change: p.Val399Asp; replaces valine 399 with aspartic acid.
Molecular consequence: missense variant.
Genome position (GRCh38, 1-based): chr22:28,695,773, A>T on the plus strand (T>A on the coding strand, the complement: CHEK2 is on the minus strand). VCF-style: chr22-28695773-A-T. GRCh37 (hg19) VCF-style: chr22-29091761-A-T.
Other names: c.1325T>A, p.Val442Asp (NM_001005735.3); c.533T>A, p.Val178Asp (NM_001257387.3); c.995T>A, p.Val332Asp (NM_001349956.3); c.1109T>A, p.Val370Asp (NM_145862.3); short protein forms V399D, V370D, V442D, V178D, V332D.
Identifiers: ClinVar variation 410023 (VCV000410023.24), dbSNP rs527878975, ClinGen allele CA10167712.

ClinVar aggregate classification (germline): Conflicting classifications of pathogenicity. Review status: criteria provided, conflicting classifications (1 of 4 stars). 5 submissions from 5 submitters: Uncertain significance (4); Likely benign (1). Last evaluated 2025-12-15.

Conditions:
Familial cancer of breast. Also called: BREAST CANCER, FAMILIAL; Hereditary breast cancer; hereditary breast carcinoma. Identifiers: Orphanet 227535, MedGen C0346153, MONDO:0016419, OMIM 114480. Disease mechanism: loss of function.
Hereditary cancer-predisposing syndrome. Also called: Tumor predisposition; Hereditary Cancer Syndrome; Hereditary neoplastic syndrome; Neoplastic Syndromes, Hereditary. Identifiers: Orphanet 140162, MedGen C0027672, MeSH D009386, MONDO:0015356.
Hereditary nonpolyposis colon cancer (HNPCC). Also called: Hereditary nonpolyposis colorectal cancer; Familial nonpolyposis colon cancer; Hereditary Nonpolyposis Colorectal Cancer Syndrome. Identifiers: Orphanet 443909, MedGen C1333990, MONDO:0018630. Disease mechanism: loss of function.

Allele frequency attached by ClinVar (database versions not stated): gnomAD exomes below 0.00001 and 0.00002; TOPMed below 0.00001; gnomAD 0.00001; ExAC 0.00002; 1000 Genomes Project 30x 0.00016; 1000 Genomes Project 0.00020.
gnomAD v4.1: 7 of 1,613,894 alleles (0.00043%); highest among the groups gnomAD compares: East Asian, 0.016%; no homozygotes.

Submissions (5):

Labcorp Genetics (formerly Invitae), Labcorp
Classification: Uncertain significance for Familial cancer of breast. Last evaluated: 2025-12-15. Review status: criteria provided, single submitter. Criteria: Invitae Variant Classification Sherloc (09022015). Collection method: clinical testing. Allele origin: germline.
Comment: This sequence change replaces valine, which is neutral and non-polar, with aspartic acid, which is acidic and polar, at codon 399 of the CHEK2 protein (p.Val399Asp). This variant is present in population databases (rs527878975, gnomAD 0.02%). This missense change has been observed in individual(s) with breast cancer and/or ovarian cancer (PMID: 28580595, 34326862, 37449874). This variant is also known as c.1325T>A (p.Val442Asp). ClinVar contains an entry for this variant (Variation ID: 410023). An algorithm developed to predict the effect of missense changes on protein structure and function (PolyPhen-2) suggests that this variant is likely to be tolerated. Experimental studies have shown that this missense change does not substantially affect CHEK2 function (PMID: 37449874). In summary, the available evidence is currently insufficient to determine the role of this variant in disease. Therefore, it has been classified as a Variant of Uncertain Significance.

Ambry Genetics
Classification: Likely benign for Hereditary cancer-predisposing syndrome. Last evaluated: 2025-08-08. Review status: criteria provided, single submitter. Criteria: Ambry Variant Classification Scheme 2023. Collection method: clinical testing. Allele origin: germline.

Quest Diagnostics Nichols Institute San Juan Capistrano
Classification: Uncertain significance. Last evaluated: 2024-12-05. Review status: criteria provided, single submitter. Criteria: Quest Diagnostics criteria. Collection method: clinical testing. Allele origin: unknown.
Comment: The CHEK2 c.1196T>A (p.Val399Asp) variant has been reported in the published literature along with other variants in an individual with ovarian cancer (PMID: 34326862 (2021)). In a large-scale breast cancer association study, the variant was observed in individuals with breast cancer as well as in reportedly healthy individuals (PMID: 33471991 (2021), see also LOVD). The frequency of this variant in the general population (Genome Aggregation Database) is uninformative in the assessment of its pathogenicity. Analysis of this variant using bioinformatics tools for the prediction of the effect of amino acid changes on protein structure and function yielded predictions that this variant is benign. Based on the available information, we are unable to determine the clinical significance of this variant.

Color Diagnostics, LLC DBA Color Health
Classification: Uncertain significance for Hereditary cancer-predisposing syndrome. Last evaluated: 2023-03-28. Review status: criteria provided, single submitter. Criteria: ACMG Guidelines, 2015. Collection method: clinical testing. Allele origin: germline.
Comment: This missense variant replaces valine with aspartic acid at codon 399 of the CHEK2 protein. Computational prediction suggests that this variant may not impact protein structure and function (internally defined REVEL score threshold <= 0.5, PMID: 27666373). To our knowledge, functional studies have not been reported for this variant. This variant has not been reported in individuals affected with CHEK2-related disorders in the literature. This variant has been identified in 4/251018 chromosomes in the general population by the Genome Aggregation Database (gnomAD). The available evidence is insufficient to determine the role of this variant in disease conclusively. Therefore, this variant is classified as a Variant of Uncertain Significance.

Department of Pathology and Laboratory Medicine, Sinai Health System
Classification: Uncertain significance for hereditary nonpolyposis colon cancer. Last evaluated: 2020-05-15. Review status: criteria provided, single submitter. Criteria: ACMG Guidelines, 2015. Collection method: clinical testing. Allele origin: germline.

Literature cited by the submitters: PubMed 28580595 (cited by Labcorp Genetics (formerly Invitae), Labcorp and Quest Diagnostics Nichols Institute San Juan Capistrano); PubMed 34326862 (cited by Labcorp Genetics (formerly Invitae), Labcorp and Quest Diagnostics Nichols Institute San Juan Capistrano); PubMed 37449874 (cited by Labcorp Genetics (formerly Invitae), Labcorp and Ambry Genetics); PubMed 33471991 (cited by Quest Diagnostics Nichols Institute San Juan Capistrano).